The following is an entry in ClinVar:

NM_024678.6(NARS2):c.373-4G>A

Gene: NARS2 (asparaginyl-tRNA synthetase 2, mitochondrial; minus strand). Cytogenetic location: 11q14.1.
Variant type: single nucleotide variant.
Coding change: c.373-4G>A on transcript NM_024678.6 (MANE Select); 4 bases into the intron before coding-DNA position 373, G replaced by A.
Molecular consequence: intron variant.
Genome position (GRCh38, 1-based): chr11:78,566,276, C>T on the plus strand (G>A on the coding strand, the complement: NARS2 is on the minus strand). VCF-style: chr11-78566276-C-T. GRCh37 (hg19) VCF-style: chr11-78277322-C-T.
Other names: p.?; c.-309-4G>A (NM_001243251.2).
Identifiers: ClinVar variation 2246649 (VCV002246649.6), dbSNP rs1856741568, ClinGen allele CA476051545.

ClinVar aggregate classification (germline): Conflicting classifications of pathogenicity. Review status: criteria provided, conflicting classifications (1 of 4 stars). 3 submissions from 3 submitters: Uncertain significance (1); Likely benign (2). Last evaluated 2025-06-23.

Conditions:
Inborn genetic diseases. Identifiers: MedGen C0950123, MeSH D030342.

Allele frequency attached by ClinVar (database versions not stated): TOPMed 0.00001.
gnomAD v4.1: 1 of 1,568,452 alleles (0.000064%); highest among the groups gnomAD compares: South Asian, 0.0012%; no homozygotes.

Submissions (3):

Mayo Clinic Laboratories, Mayo Clinic
Classification: Likely benign. Last evaluated: 2025-06-23. Review status: criteria provided, single submitter. Criteria: ACMG Guidelines, 2015. Collection method: clinical testing. Allele origin: germline. Observed: 1 variant allele.
Comment: BP4, BP7, PM2_supporting

Labcorp Genetics (formerly Invitae), Labcorp
Classification: Likely benign. Last evaluated: 2023-06-16. Review status: criteria provided, single submitter. Criteria: Invitae Variant Classification Sherloc (09022015). Collection method: clinical testing. Allele origin: germline.

Ambry Genetics
Classification: Uncertain significance for Inborn genetic diseases. Last evaluated: 2021-10-12. Review status: criteria provided, single submitter. Criteria: Ambry Variant Classification Scheme 2023. Collection method: clinical testing. Allele origin: germline.
Comment: The c.373-4G>A intronic alteration consists of a G to A substitution 4 nucleotides before coding exon 4 in the NARS2 gene. Based on insufficient or conflicting evidence, the clinical significance of this alteration remains unclear.